The following is an entry in ClinVar:

NM_005612.5(REST):c.593C>T (p.Ala198Val)

Gene: REST (RE1 silencing transcription factor; plus strand). Cytogenetic location: 4q12.
Variant type: single nucleotide variant.
Coding change: c.593C>T on transcript NM_005612.5 (MANE Select); coding-DNA position 593, C replaced by T.
Protein change: p.Ala198Val; replaces alanine 198 with valine.
Molecular consequence: missense variant.
Genome position (GRCh38, 1-based): chr4:56,911,231, C>T. VCF-style: chr4-56911231-C-T. GRCh37 (hg19) VCF-style: chr4-57777397-C-T.
Other names: c.593C>T, p.Ala198Val (NM_001193508.2, NM_001363453.3); short protein forms A198V.
Identifiers: ClinVar variation 966708 (VCV000966708.9), dbSNP rs745876653, ClinGen allele CA2932126.
Genomic context (GRCh38, chr4:56,911,231, plus strand): 5'-TCAGAGTTCACAGTGCTAAGAAATTTTTTGTGGAAGAGAGTGCAGAGAAGCAGGCAAAAG[C>T]CAGGGAATCTGGCTCTTCCACTGCAGAAGAGGGAGATTTCTCCAAGGGCCCCATTCGCTG-3'
Protein context (NP_005603.3, residues 188-208): VEESAEKQAK[Ala198Val]RESGSSTAEE

ClinVar aggregate classification (germline): Uncertain significance. Review status: criteria provided, multiple submitters, no conflicts (2 of 4 stars). 3 submissions from 3 submitters: Uncertain significance (3). Last evaluated 2026-10-01.

Conditions:
Inborn genetic diseases. Identifiers: MedGen C0950123, MeSH D030342.
Wilms tumor 6 (WT6). Also called: WILMS TUMOR 6, SUSCEPTIBILITY TO. Identifiers: Orphanet 654, MedGen C3891301, MONDO:0014779, OMIM 616806.

Allele frequency attached by ClinVar (database versions not stated): gnomAD exomes 0.00001 and 0.00004; ExAC 0.00002; TOPMed 0.00002.
gnomAD v4.1: 11 of 1,614,078 alleles (0.00068%); highest among the groups gnomAD compares: Admixed American, 0.017%; no homozygotes.

Submissions (3):

St. Jude Molecular Pathology, St. Jude Children's Research Hospital
Classification: Uncertain significance for Wilms tumor 6. Last evaluated: 2026-10-01. Review status: criteria provided, single submitter. Criteria: St. Jude Assertion Criteria 2020. Collection method: clinical testing. Allele origin: germline.
Comment: The REST c.593C>T p.(Ala198Val) missense change has a maximum subpopulation frequency of 0.02% in gnomAD v2.1.1. The in silico tool REVEL predicts a benign effect on protein function, but to our knowledge this prediction has not been confirmed by functional studies. To our knowledge, this variant has not been reported in individuals with Wilms tumor. In summary, the evidence currently available is insufficient to determine the clinical significance of this variant. It has therefore been classified as of uncertain significance.

Ambry Genetics
Classification: Uncertain significance for Inborn genetic diseases. Last evaluated: 2025-01-17. Review status: criteria provided, single submitter. Criteria: Ambry Variant Classification Scheme 2023. Collection method: clinical testing. Allele origin: germline.

Labcorp Genetics (formerly Invitae), Labcorp
Classification: Uncertain significance. Last evaluated: 2024-10-24. Review status: criteria provided, single submitter. Criteria: Invitae Variant Classification Sherloc (09022015). Collection method: clinical testing. Allele origin: germline.
Comment: This sequence change replaces alanine, which is neutral and non-polar, with valine, which is neutral and non-polar, at codon 198 of the REST protein (p.Ala198Val). This variant is present in population databases (rs745876653, gnomAD 0.03%). This variant has not been reported in the literature in individuals affected with REST-related conditions. ClinVar contains an entry for this variant (Variation ID: 966708). An algorithm developed to predict the effect of missense changes on protein structure and function (PolyPhen-2) suggests that this variant is likely to be disruptive. In summary, the available evidence is currently insufficient to determine the role of this variant in disease. Therefore, it has been classified as a Variant of Uncertain Significance.